The following is an entry in ClinVar:

NM_000038.6(APC):c.1549G>A (p.Ala517Thr)

Gene: APC (APC regulator of Wnt signaling pathway; plus strand). Cytogenetic location: 5q22.2.
Variant type: single nucleotide variant.
Coding change: c.1549G>A on transcript NM_000038.6 (MANE Select); coding-DNA position 1549, G replaced by A.
Protein change: p.Ala517Thr; replaces alanine 517 with threonine.
Molecular consequence: missense variant.
Genome position (GRCh38, 1-based): chr5:112,827,929, G>A. VCF-style: chr5-112827929-G-A. GRCh37 (hg19) VCF-style: chr5-112163626-G-A.
Other names: c.1549G>A, p.Ala517Thr (NM_001127510.3, NM_001354895.2); c.1495G>A, p.Ala499Thr (NM_001127511.3); c.1603G>A, p.Ala535Thr (NM_001354896.2); c.1579G>A, p.Ala527Thr (NM_001354897.2); c.1474G>A, p.Ala492Thr (NM_001354898.2); c.1465G>A, p.Ala489Thr (NM_001354899.2); c.1426G>A, p.Ala476Thr (NM_001354900.2); c.1372G>A, p.Ala458Thr (NM_001354901.2); and 5 more; short protein forms A476T, A234T, A357T, A458T, A492T, A499T, A517T, A527T.
Identifiers: ClinVar variation 923666 (VCV000923666.11), dbSNP rs1763868182, ClinGen allele CA16024691.
Genomic context (GRCh38, chr5:112,827,929, plus strand): 5'-AATAAAGCTTGGCTTCAAGTTGTCTTTTTAATGATCCTCTATTCTGTATTTAATTTACAG[G>A]CTACGCTATGCTCTATGAAAGGCTGCATGAGAGCACTTGTGGCCCAACTAAAATCTGAAA-3'
Protein context (NP_000029.2, residues 507-527): NLTFGDVANK[Ala517Thr]TLCSMKGCMR

ClinVar aggregate classification (germline): Uncertain significance. Review status: criteria provided, multiple submitters, no conflicts (2 of 4 stars). 3 submissions from 3 submitters: Uncertain significance (3). Last evaluated 2026-01-20.

Conditions:
Hereditary cancer-predisposing syndrome. Also called: Tumor predisposition; Hereditary neoplastic syndrome; Hereditary Cancer Syndrome; Neoplastic Syndromes, Hereditary. Identifiers: Orphanet 140162, MedGen C0027672, MeSH D009386, MONDO:0015356.
Familial adenomatous polyposis 1 (FAP1). Also called: FAMILIAL ADENOMATOUS POLYPOSIS 1, ATTENUATED; POLYPOSIS, ADENOMATOUS INTESTINAL. Identifiers: MedGen C2713442, MONDO:0021056, OMIM 175100. Disease mechanism: loss of function.

Allele frequency attached by ClinVar (database versions not stated): gnomAD exomes below 0.00001.
gnomAD v4.1: 1 of 1,612,760 alleles (0.000062%); highest among the groups gnomAD compares: Non-Finnish European, 0.000085%; no homozygotes.

Submissions (3):

Ambry Genetics
Classification: Uncertain significance for Hereditary cancer-predisposing syndrome. Last evaluated: 2026-01-20. Review status: criteria provided, single submitter. Criteria: Ambry Variant Classification Scheme 2023. Collection method: clinical testing. Allele origin: germline.
Comment: The p.A517T variant (also known as c.1549G>A) is located in coding exon 12 of the APC gene. The alanine at codon 517 is replaced by threonine, an amino acid with similar properties. This change occurs in the first base pair of coding exon 12. This amino acid position is conserved. In addition, in silico predictors for this gene do not accurately predict pathogenicity. Based on the available evidence, the clinical significance of this variant remains unclear.

Labcorp Genetics (formerly Invitae), Labcorp
Classification: Uncertain significance for Familial adenomatous polyposis 1. Last evaluated: 2023-10-04. Review status: criteria provided, single submitter. Criteria: Invitae Variant Classification Sherloc (09022015). Collection method: clinical testing. Allele origin: germline.
Comment: This sequence change replaces alanine, which is neutral and non-polar, with threonine, which is neutral and polar, at codon 517 of the APC protein (p.Ala517Thr). This variant is not present in population databases (gnomAD no frequency). This variant has not been reported in the literature in individuals affected with APC-related conditions. ClinVar contains an entry for this variant (Variation ID: 923666). An algorithm developed to predict the effect of missense changes on protein structure and function (PolyPhen-2) suggests that this variant is likely to be tolerated. In summary, the available evidence is currently insufficient to determine the role of this variant in disease. Therefore, it has been classified as a Variant of Uncertain Significance.

Color Diagnostics, LLC DBA Color Health
Classification: Uncertain significance for Hereditary cancer-predisposing syndrome. Last evaluated: 2019-05-31. Review status: criteria provided, single submitter. Criteria: ACMG Guidelines, 2015. Collection method: clinical testing. Allele origin: germline.